The following is an entry in ClinVar:

ClinVar aggregate classification (germline): Likely pathogenic (1 of 4 stars; one submission).

Conditions:
Kabuki syndrome 2 (KABUK2). Also called: KDM6A-Related Kabuki Syndrome. Identifiers: Orphanet 2322, MedGen C3275495, MONDO:0010465, OMIM 300867.

Submission:

3billion
Classification: Likely pathogenic for Kabuki syndrome 2. Last evaluated: 2023-08-04. Review status: criteria provided, single submitter. Criteria: ACMG Guidelines, 2015. Collection method: clinical testing. Allele origin: germline. Affected: yes.
Comment: The variant is not observed in the gnomAD v2.1.1 dataset. Predicted Consequence/Location: Frameshift: predicted to result in a loss or disruption of normal protein function through nonsense-mediated decay (NMD) or protein truncation. Multiple pathogenic variants are reported downstream of the variant. Therefore, this variant is classified as Likely pathogenic according to the recommendation of ACMG/AMP guideline.

NM_001291415.2(KDM6A):c.63_70del (p.Glu22fs)

Gene: KDM6A (lysine demethylase 6A; plus strand). Cytogenetic location: Xp11.3.
Variant type: Deletion.
Coding change: c.63_70del on transcript NM_001291415.2 (MANE Select); coding-DNA positions 63 to 70, 8 bases deleted (GGAAAAGA; older notation c.63_70delGGAAAAGA).
Protein change: p.Glu22fs; shifts the reading frame from glutamic acid 22.
Molecular consequence: frameshift variant. On other transcripts: 5 prime UTR variant (1), non-coding transcript variant (1).
Genome position (GRCh38, 1-based): chrX:44,873,614-44,873,621, GGAAAAGA deleted; deleting any 8 consecutive bases within chrX:44,873,612-44,873,621 gives the same sequence; the c. name uses the placement nearest the transcript's 3' end. VCF-style (leftmost placement, unchanged base first): chrX-44873611-TGAGGAAAA-T. GRCh37 (hg19) VCF-style: chrX-44732857-TGAGGAAAA-T.
Other names: c.63_70del, p.Glu22fs (NM_001291418.2, NM_001419810.1, NM_001410742.1 and 9 more transcripts); c.-570_-563del (NM_001291421.2); short protein forms E22fs.
Identifiers: ClinVar variation 3775951 (VCV003775951.1).